The following is an entry in ClinVar:

NM_001005361.3(DNM2):c.1437C>T (p.Ile479=)

Gene: DNM2 (dynamin 2; plus strand). Cytogenetic location: 19p13.2.
Variant type: single nucleotide variant.
Coding change: c.1437C>T on transcript NM_001005361.3 (MANE Select); coding-DNA position 1437, C replaced by T.
Protein change: p.Ile479=; no amino-acid change (isoleucine 479 retained).
Molecular consequence: synonymous variant.
Genome position (GRCh38, 1-based): chr19:10,802,302, C>T. VCF-style: chr19-10802302-C-T. GRCh37 (hg19) VCF-style: chr19-10912978-C-T.
Other names: c.1437C>T, p.Ile479= (NM_001005360.3, NM_001005362.3, NM_001190716.2 and 1 more transcripts).
Identifiers: ClinVar variation 510728 (VCV000510728.16), dbSNP rs146506201, ClinGen allele CA9201162.

ClinVar aggregate classification (germline): Likely benign. Review status: criteria provided, multiple submitters, no conflicts (2 of 4 stars). 4 submissions from 4 submitters: Likely benign (3). 1 of the submissions does not count toward it. Last evaluated 2023-08-11.

Conditions:
DNM2-related disorder. Also called: DNM2-related condition.
Inborn genetic diseases. Identifiers: MedGen C0950123, MeSH D030342.
Charcot-Marie-Tooth disease dominant intermediate B (CMTDIB). Also called: Charcot-Marie-Tooth disease dominant intermediate 1; CMT DI1; Charcot-Marie-Tooth disease dominant intermediate I; CHARCOT-MARIE-TOOTH NEUROPATHY, DOMINANT INTERMEDIATE B. Identifiers: Orphanet 100044, Orphanet 228179, MedGen C1847902, MONDO:0011674, OMIM 606482.

Allele frequency attached by ClinVar (database versions not stated): TOPMed 0.00005; gnomAD 0.00006; ESP Exome Variant Server 0.00008.
gnomAD v4.1: 42 of 1,613,968 alleles (0.0026%); highest among the groups gnomAD compares: Non-Finnish European, 0.0032%; no homozygotes.

Submissions (4):

Labcorp Genetics (formerly Invitae), Labcorp
Classification: Likely benign for Charcot-Marie-Tooth disease dominant intermediate B. Last evaluated: 2023-08-11. Review status: criteria provided, single submitter. Criteria: Invitae Variant Classification Sherloc (09022015). Collection method: clinical testing. Allele origin: germline.

GeneDx
Classification: Likely benign. Last evaluated: 2021-01-07. Review status: criteria provided, single submitter. Criteria: GeneDx Variant Classification Process June 2021. Collection method: clinical testing. Allele origin: germline. Affected: yes.

Ambry Genetics
Classification: Likely benign for Inborn genetic diseases. Last evaluated: 2019-07-11. Review status: criteria provided, single submitter. Criteria: Ambry Variant Classification Scheme 2023. Collection method: clinical testing. Allele origin: germline.

PreventionGenetics, part of Exact Sciences
Classification: Likely benign for DNM2-related condition. Last evaluated: 2024-08-08. Review status: no assertion criteria provided. Collection method: clinical testing. Allele origin: germline. Not counted in ClinVar's aggregate classification.
Comment: This variant is classified as likely benign based on ACMG/AMP sequence variant interpretation guidelines (Richards et al. 2015 PMID: 25741868, with internal and published modifications).